The following is an entry in ClinVar:

NM_052874.5(STX1B):c.281C>T (p.Ala94Val)

Gene: STX1B (syntaxin 1B; minus strand). Cytogenetic location: 16p11.2.
Variant type: single nucleotide variant.
Coding change: c.281C>T on transcript NM_052874.5 (MANE Select); coding-DNA position 281, C replaced by T.
Protein change: p.Ala94Val; replaces alanine 94 with valine.
Molecular consequence: missense variant.
Genome position (GRCh38, 1-based): chr16:30,997,575, G>A on the plus strand (C>T on the coding strand, the complement: STX1B is on the minus strand). VCF-style: chr16-30997575-G-A. GRCh37 (hg19) VCF-style: chr16-31008896-G-A.
Other names: short protein forms A94V.
Identifiers: ClinVar variation 2826097 (VCV002826097.3), dbSNP rs2543961225, ClinGen allele CA395649873.

ClinVar aggregate classification (germline): Uncertain significance (1 of 4 stars; one submission).

Conditions:
Generalized epilepsy with febrile seizures plus, type 9 (GEFSP9). Also called: GEFS+, TYPE 9. Identifiers: Orphanet 36387, MedGen C4015395, MONDO:0014517, OMIM 616172.

Submission:

Labcorp Genetics (formerly Invitae), Labcorp
Classification: Uncertain significance for Generalized epilepsy with febrile seizures plus, type 9. Last evaluated: 2023-01-03. Review status: criteria provided, single submitter. Criteria: Invitae Variant Classification Sherloc (09022015). Collection method: clinical testing. Allele origin: germline.
Comment: In summary, the available evidence is currently insufficient to determine the role of this variant in disease. Therefore, it has been classified as a Variant of Uncertain Significance. Algorithms developed to predict the effect of missense changes on protein structure and function (SIFT, PolyPhen-2, Align-GVGD) all suggest that this variant is likely to be tolerated. This variant has not been reported in the literature in individuals affected with STX1B-related conditions. This variant is not present in population databases (gnomAD no frequency). This sequence change replaces alanine, which is neutral and non-polar, with valine, which is neutral and non-polar, at codon 94 of the STX1B protein (p.Ala94Val).